The following is an entry in ClinVar:

ClinVar aggregate classification (germline): Uncertain significance (1 of 4 stars; one submission).

Conditions:
Kabuki syndrome. Also called: NIIKAWA-KUROKI SYNDROME; Kabuki make-up syndrome. Identifiers: Orphanet 2322, MedGen C0796004, MONDO:0016512.

Submission:

Labcorp Genetics (formerly Invitae), Labcorp
Classification: Uncertain significance for Kabuki syndrome. Last evaluated: 2022-01-03. Review status: criteria provided, single submitter. Criteria: Invitae Variant Classification Sherloc (09022015). Collection method: clinical testing. Allele origin: germline.
Comment: This sequence change replaces leucine, which is neutral and non-polar, with valine, which is neutral and non-polar, at codon 5183 of the KMT2D protein (p.Leu5183Val). In summary, the available evidence is currently insufficient to determine the role of this variant in disease. Therefore, it has been classified as a Variant of Uncertain Significance. Advanced modeling of protein sequence and biophysical properties (such as structural, functional, and spatial information, amino acid conservation, physicochemical variation, residue mobility, and thermodynamic stability) performed at Invitae indicates that this missense variant is expected to disrupt KMT2D protein function. This variant has not been reported in the literature in individuals affected with KMT2D-related conditions. This variant is not present in population databases (gnomAD no frequency).

NM_003482.4(KMT2D):c.15547C>G (p.Leu5183Val)

Gene: KMT2D (lysine methyltransferase 2D; minus strand). Cytogenetic location: 12q13.12.
Variant type: single nucleotide variant.
Coding change: c.15547C>G on transcript NM_003482.4 (MANE Select); coding-DNA position 15547, C replaced by G.
Protein change: p.Leu5183Val; replaces leucine 5183 with valine.
Molecular consequence: missense variant.
Genome position (GRCh38, 1-based): chr12:49,026,419, G>C on the plus strand (C>G on the coding strand, the complement: KMT2D is on the minus strand). VCF-style: chr12-49026419-G-C. GRCh37 (hg19) VCF-style: chr12-49420202-G-C.
Other names: short protein forms L5183V.
Identifiers: ClinVar variation 1464501 (VCV001464501.6), dbSNP rs2137715962, ClinGen allele CA384687006.